The following is an entry in ClinVar:

NM_000352.6(ABCC8):c.4026_4027insC (p.Lys1343fs)

Gene: ABCC8 (ATP binding cassette subfamily C member 8; minus strand). Cytogenetic location: 11p15.1.
Variant type: Insertion.
Coding change: c.4026_4027insC on transcript NM_000352.6 (MANE Select); coding-DNA positions 4026 to 4027, C inserted.
Protein change: p.Lys1343fs; shifts the reading frame from lysine 1343.
Molecular consequence: frameshift variant. On other transcripts: non-coding transcript variant (1).
Genome position: GRCh38 VCF-style: chr11-17397008-T-TG. GRCh37 (hg19) VCF-style: chr11-17418555-T-TG.
Other names: c.4029_4030insC, p.Lys1344fs (NM_001287174.3); c.4092_4093insC, p.Lys1365fs (NM_001351295.2); c.4026_4027insC, p.Lys1343fs (NM_001351296.2); c.4023_4024insC, p.Lys1342fs (NM_001351297.2); short protein forms K1343fs, K1344fs, K1342fs, K1365fs.
Identifiers: ClinVar variation 557081 (VCV000557081.3), dbSNP rs1554905787, ClinGen allele CA658822170.

ClinVar aggregate classification (germline): Uncertain significance. Review status: criteria provided, single submitter (1 of 4 stars). 3 submissions from 2 submitters: Uncertain significance (2). 1 of the submissions does not count toward it.

Conditions:
Transitory neonatal diabetes mellitus. Also called: Transient neonatal diabetes mellitus. Identifiers: MedGen C0342273, MONDO:0020525, HP:0008255.
Maturity-onset diabetes of the young (MODY). Also called: Maturity onset diabetes mellitus in young. Identifiers: Orphanet 552, MedGen C0342276, MONDO:0018911, HP:0004904.
Hyperinsulinemic hypoglycemia, familial, 1 (HHF1). Also called: Persistent hyperinsulinemic hypoglycemia of infancy; HYPERINSULINISM, FAMILIAL, WITH PANCREATIC NESIDIOBLASTOSIS; HYPOGLYCEMIA, HYPERINSULINEMIC, OF INFANCY; NESIDIOBLASTOSIS OF PANCREAS; Persistent Hyperinsulinemia Hypoglycemia of Infancy. Identifiers: Orphanet 276575, Orphanet 276598, MedGen C2931832, MONDO:0009734, OMIM 256450.

Submissions (3):

Clinical Genomics, Uppaluri K&H Personalized Medicine Clinic
Classification: Uncertain significance for Maturity-onset diabetes of the young. Review status: criteria provided, single submitter. Criteria: K & H Uppaluri Personalized Medicine Clinic Variant Classification & Assertion Criteria_Updated V.1. Collection method: research. Allele origin: somatic. Inheritance: Somatic mutation.
Comment: Mutations in ABCC8 gene are associated with both neonatal diabetes mellitus as well as MODY. Patients with this mutation may have a better response to sulfonylureas. However, no sufficient evidence is found to ascertain the role of this particular variant (rs1554905787) in MODY yet.

Clinical Genomics, Uppaluri K&H Personalized Medicine Clinic
Classification: Uncertain significance for Transitory neonatal diabetes mellitus. Review status: criteria provided, single submitter. Criteria: K & H Uppaluri Personalized Medicine Clinic Variant Classification & Assertion Criteria_Updated V.1. Collection method: research. Allele origin: somatic. Inheritance: Somatic mutation.
Comment: Mutations in ABCC8 gene are associated with both neonatal diabetes mellitus as well as MODY. Patients with this mutation may have a better response to sulfonylureas. However, no sufficient evidence is found to ascertain the role of this particular variant (rs1554905787) in neonatal diabetes yet.

Counsyl
Classification: Likely pathogenic for Hyperinsulinemic hypoglycemia, familial, 1. Last evaluated: 2018-03-09. Review status: no assertion criteria provided. Collection method: clinical testing. Allele origin: unknown. Not counted in ClinVar's aggregate classification.

Literature cited by the submitters: PubMed 16885549 (cited by Clinical Genomics, Uppaluri K&H Personalized Medicine Clinic); PubMed 21989597 (cited by Clinical Genomics, Uppaluri K&H Personalized Medicine Clinic); PubMed 27538677 (cited by Clinical Genomics, Uppaluri K&H Personalized Medicine Clinic); PubMed 18981553 (cited by Clinical Genomics, Uppaluri K&H Personalized Medicine Clinic); PubMed 32027066 (cited by Clinical Genomics, Uppaluri K&H Personalized Medicine Clinic); PubMed 16613899 (cited by Clinical Genomics, Uppaluri K&H Personalized Medicine Clinic); PubMed 18025408 (cited by Clinical Genomics, Uppaluri K&H Personalized Medicine Clinic); PubMed 32792356 (cited by Clinical Genomics, Uppaluri K&H Personalized Medicine Clinic).